The following is an entry in ClinVar:

ClinVar aggregate classification (germline): Uncertain significance. Review status: criteria provided, multiple submitters, no conflicts (2 of 4 stars). 2 submissions from 2 submitters: Uncertain significance (2). Last evaluated 2025-12-28.

Conditions:
Renal cell carcinoma. Identifiers: Orphanet 217071, MedGen C0007134, MeSH D002292, MONDO:0005086, HP:0005584.

Submissions (2):

Labcorp Genetics (formerly Invitae), Labcorp
Classification: Uncertain significance for Renal cell carcinoma. Last evaluated: 2025-12-28. Review status: criteria provided, single submitter. Criteria: Invitae Variant Classification Sherloc (09022015). Collection method: clinical testing. Allele origin: germline.
Comment: This sequence change replaces asparagine, which is neutral and polar, with aspartic acid, which is acidic and polar, at codon 594 of the MET protein (p.Asn594Asp). This variant is not present in population databases (gnomAD no frequency). This variant has not been reported in the literature in individuals affected with MET-related conditions. ClinVar contains an entry for this variant (Variation ID: 936363). Invitae Evidence Modeling of protein sequence and biophysical properties (such as structural, functional, and spatial information, amino acid conservation, physicochemical variation, residue mobility, and thermodynamic stability) indicates that this missense variant is not expected to disrupt MET protein function with a negative predictive value of 80%. In summary, the available evidence is currently insufficient to determine the role of this variant in disease. Therefore, it has been classified as a Variant of Uncertain Significance.

GeneDx
Classification: Uncertain significance. Last evaluated: 2023-01-12. Review status: criteria provided, single submitter. Criteria: GeneDx Variant Classification Process June 2021. Collection method: clinical testing. Allele origin: germline. Affected: yes.
Comment: Not observed at significant frequency in large population cohorts (gnomAD); In silico analysis supports that this missense variant does not alter protein structure/function; Has not been previously published as pathogenic or benign to our knowledge

NM_000245.4(MET):c.1780A>G (p.Asn594Asp)

Gene: MET (MET proto-oncogene, receptor tyrosine kinase; plus strand). Cytogenetic location: 7q31.2.
Variant type: single nucleotide variant.
Coding change: c.1780A>G on transcript NM_000245.4 (MANE Select); coding-DNA position 1780, A replaced by G.
Protein change: p.Asn594Asp; replaces asparagine 594 with aspartic acid.
Molecular consequence: missense variant.
Genome position (GRCh38, 1-based): chr7:116,755,433, A>G. VCF-style: chr7-116755433-A-G. GRCh37 (hg19) VCF-style: chr7-116395487-A-G.
Other names: c.1780A>G, p.Asn594Asp (NM_001127500.3, NM_001324401.3); c.490A>G, p.Asn164Asp (NM_001324402.2); short protein forms N164D, N594D.
Identifiers: ClinVar variation 936363 (VCV000936363.10), dbSNP rs1794141895, ClinGen allele CA368977863.
Genomic context (GRCh38, chr7:116,755,433, plus strand): 5'-CCCCTTGAAGGAGGGACAAGGCTGACCATATGTGGCTGGGACTTTGGATTTCGGAGGAAT[A>G]ATAAATTTGATTTAAAGAAAACTAGAGTTCTCCTTGGAAATGAGAGCTGCACCTTGACTT-3'
Protein context (NP_000236.2, residues 584-604): CGWDFGFRRN[Asn594Asp]KFDLKKTRVL